The following is an entry in ClinVar:

NM_001170629.2(CHD8):c.6623A>T (p.Tyr2208Phe)

Gene: CHD8 (chromodomain helicase DNA binding protein 8; minus strand). Cytogenetic location: 14q11.2.
Variant type: single nucleotide variant.
Coding change: c.6623A>T on transcript NM_001170629.2 (MANE Select); coding-DNA position 6623, A replaced by T.
Protein change: p.Tyr2208Phe; replaces tyrosine 2208 with phenylalanine.
Molecular consequence: missense variant.
Genome position (GRCh38, 1-based): chr14:21,392,655, T>A on the plus strand (A>T on the coding strand, the complement: CHD8 is on the minus strand). VCF-style: chr14-21392655-T-A. GRCh37 (hg19) VCF-style: chr14-21860814-T-A.
Other names: c.5786A>T, p.Tyr1929Phe (NM_020920.4); short protein forms Y1929F, Y2208F.
Identifiers: ClinVar variation 3769699 (VCV003769699.1).

ClinVar aggregate classification (germline): Uncertain significance (1 of 4 stars; one submission).

Submission:

GeneDx
Classification: Uncertain significance. Last evaluated: 2024-09-12. Review status: criteria provided, single submitter. Criteria: GeneDx Variant Classification Process June 2021. Collection method: clinical testing. Allele origin: germline. Affected: yes.
Comment: Not observed at significant frequency in large population cohorts (gnomAD); In silico analysis indicates that this missense variant does not alter protein structure/function; Has not been previously published as pathogenic or benign to our knowledge